The following is an entry in ClinVar:

NM_000551.4(VHL):c.478G>A (p.Glu160Lys)

Genes: VHL (von Hippel-Lindau tumor suppressor; plus strand), LOC107303340 (3p25 von Hippel-Lindau tumor suppressor, E3 ubiquitin protein ligase Alu-mediated recombination region; plus strand). Cytogenetic location: 3p25.3.
Variant type: single nucleotide variant.
Coding change: c.478G>A on transcript NM_000551.4 (MANE Select); coding-DNA position 478, G replaced by A.
Protein change: p.Glu160Lys; replaces glutamic acid 160 with lysine.
Molecular consequence: missense variant. On other transcripts: 3 prime UTR variant (1), non-coding transcript variant (1).
Genome position (GRCh38, 1-based): chr3:10,149,801, G>A. VCF-style: chr3-10149801-G-A. GRCh37 (hg19) VCF-style: chr3-10191485-G-A.
Other names: c.*32G>A (NM_001354723.2); c.355G>A, p.Glu119Lys (NM_198156.3); short protein forms E160K, E119K.
Identifiers: ClinVar variation 2928556 (VCV002928556.3), dbSNP rs1696354965, ClinGen allele CA351756092.

ClinVar aggregate classification (germline): Uncertain significance (1 of 4 stars; one submission).

Conditions:
Chuvash polycythemia. Also called: POLYCYTHEMIA, VHL-DEPENDENT. Identifiers: Orphanet 238557, MedGen C1837915, MONDO:0009892, OMIM 263400.
Von Hippel-Lindau syndrome (VHLS). Also called: von Hippel–Lindau syndrome; VHL syndrome; Von Hippel-Lindau. Identifiers: Orphanet 892, MedGen C0019562, MONDO:0008667, OMIM 193300. Disease mechanism: loss of function.

Submission:

Labcorp Genetics (formerly Invitae), Labcorp
Classification: Uncertain significance for Von Hippel-Lindau syndrome; Chuvash polycythemia. Last evaluated: 2023-02-20. Review status: criteria provided, single submitter. Criteria: Invitae Variant Classification Sherloc (09022015). Collection method: clinical testing. Allele origin: germline.
Comment: In summary, the available evidence is currently insufficient to determine the role of this variant in disease. Therefore, it has been classified as a Variant of Uncertain Significance. Advanced modeling of protein sequence and biophysical properties (such as structural, functional, and spatial information, amino acid conservation, physicochemical variation, residue mobility, and thermodynamic stability) performed at Invitae indicates that this missense variant is expected to disrupt VHL protein function. This variant has not been reported in the literature in individuals affected with VHL-related conditions. This variant is not present in population databases (gnomAD no frequency). This sequence change replaces glutamic acid, which is acidic and polar, with lysine, which is basic and polar, at codon 160 of the VHL protein (p.Glu160Lys).